The following is an entry in ClinVar:

ClinVar aggregate classification (germline): Conflicting classifications of pathogenicity. Review status: criteria provided, conflicting classifications (1 of 4 stars). 2 submissions from 2 submitters: Likely pathogenic (1); Uncertain significance (1). Last evaluated 2022-05-12.

Conditions:
Hereditary cancer-predisposing syndrome. Also called: Tumor predisposition; Hereditary neoplastic syndrome; Hereditary Cancer Syndrome; Neoplastic Syndromes, Hereditary. Identifiers: Orphanet 140162, MedGen C0027672, MeSH D009386, MONDO:0015356.
Familial adenomatous polyposis 1 (FAP1). Also called: POLYPOSIS, ADENOMATOUS INTESTINAL; FAMILIAL ADENOMATOUS POLYPOSIS 1, ATTENUATED. Identifiers: MedGen C2713442, MONDO:0021056, OMIM 175100. Disease mechanism: loss of function.

Submissions (2):

Ambry Genetics
Classification: Likely pathogenic for Hereditary cancer-predisposing syndrome. Last evaluated: 2022-05-12. Review status: criteria provided, single submitter. Criteria: Ambry Variant Classification Scheme 2023. Collection method: clinical testing. Allele origin: germline.
Comment: The c.8310_8311delCA variant, located in coding exon 15 of the APC gene, results from a deletion of two nucleotides at nucleotide positions 8310 to 8311, causing a translational frameshift with a predicted alternate stop codon (p.H2770Qfs*4). This alteration occurs at the 3' terminus of theAPC gene, is not expected to trigger nonsense-mediated mRNA decay, and only impacts the last 74 amino acids of the protein. However, premature stop codons are typically deleterious in nature and the impacted region is critical for protein function (Ambry internal data). This variant is considered to be rare based on population cohorts in the Genome Aggregation Database (gnomAD). Based on the majority of available evidence to date, this variant is likely to be pathogenic. However, this alteration has not been seen in individuals with classic FAP (Ambry internal data). Clinical correlation is advised.

Labcorp Genetics (formerly Invitae), Labcorp
Classification: Uncertain significance for Familial adenomatous polyposis 1. Last evaluated: 2018-02-07. Review status: criteria provided, single submitter. Criteria: Invitae Variant Classification Sherloc (09022015). Collection method: clinical testing. Allele origin: germline.
Comment: This variant is not present in population databases (ExAC no frequency). This variant has not been reported in the literature in individuals with APC-related disease. This sequence change results in a premature translational stop signal in the APC gene (p.His2770Glnfs*4). While this is not anticipated to result in nonsense mediated decay, it is expected to disrupt the last 74 amino acids of the APC protein. In summary, the available evidence is currently insufficient to determine the role of this variant in disease. Therefore, it has been classified as a Variant of Uncertain Significance.

NM_000038.6(APC):c.8310_8311del (p.His2770fs)

Gene: APC (APC regulator of Wnt signaling pathway; plus strand). Cytogenetic location: 5q22.2.
Variant type: Microsatellite.
Coding change: c.8310_8311del on transcript NM_000038.6 (MANE Select); coding-DNA positions 8310 to 8311, 2 bases deleted (CA; older notation c.8310_8311delCA).
Protein change: p.His2770fs; shifts the reading frame from histidine 2770.
Molecular consequence: frameshift variant.
Genome position (GRCh38, 1-based): chr5:112,843,904-112,843,905, CA deleted; deleting any 2 consecutive bases within chr5:112,843,901-112,843,905 gives the same sequence; the c. name uses the placement nearest the transcript's 3' end. VCF-style (leftmost placement, unchanged base first): chr5-112843900-AAC-A. GRCh37 (hg19) VCF-style: chr5-112179597-AAC-A.
Other names: c.8310_8311del, p.His2770fs (NM_001127510.3, NM_001354895.2); c.8256_8257del, p.His2752fs (NM_001127511.3); c.8364_8365del, p.His2788fs (NM_001354896.2); c.8340_8341del, p.His2780fs (NM_001354897.2); c.8235_8236del, p.His2745fs (NM_001354898.2); c.8226_8227del, p.His2742fs (NM_001354899.2); c.8187_8188del, p.His2729fs (NM_001354900.2); c.8133_8134del, p.His2711fs (NM_001354901.2); and 5 more; short protein forms H2610fs, H2669fs, H2729fs, H2752fs, H2745fs, H2770fs, H2679fs, H2742fs.
Identifiers: ClinVar variation 577066 (VCV000577066.10), dbSNP rs1561622234, ClinGen allele CA891843092.